The following is an entry in ClinVar:

NM_004715.5(CTDP1):c.2083C>G (p.Leu695Val)

Gene: CTDP1 (CTD phosphatase subunit 1; plus strand). Cytogenetic location: 18q23.
Variant type: single nucleotide variant.
Coding change: c.2083C>G on transcript NM_004715.5 (MANE Select); coding-DNA position 2083, C replaced by G.
Protein change: p.Leu695Val; replaces leucine 695 with valine.
Molecular consequence: missense variant.
Genome position (GRCh38, 1-based): chr18:79,717,549, C>G. VCF-style: chr18-79717549-C-G. GRCh37 (hg19) VCF-style: chr18-77477549-C-G.
Other names: c.1726C>G, p.Leu576Val (NM_001202504.1); c.2083C>G, p.Leu695Val (NM_001318511.2, NM_048368.4); c.2083C>G (NM_004715.4); short protein forms L695V, L576V.
Identifiers: ClinVar variation 1523372 (VCV001523372.4), dbSNP rs770079179, ClinGen allele CA9010461.

ClinVar aggregate classification (germline): Uncertain significance. Review status: criteria provided, multiple submitters, no conflicts (2 of 4 stars). 2 submissions from 2 submitters: Uncertain significance (2). Last evaluated 2025-10-28.

Allele frequency attached by ClinVar (database versions not stated): TOPMed 0.00001; ExAC 0.00001; gnomAD exomes 0.00001.
gnomAD v4.1: 11 of 1,613,406 alleles (0.00068%); highest among the groups gnomAD compares: Non-Finnish European, 0.00093%; no homozygotes.

Submissions (2):

Ambry Genetics
Classification: Uncertain significance. Last evaluated: 2025-10-28. Review status: criteria provided, single submitter. Criteria: Ambry Variant Classification Scheme 2023. Collection method: clinical testing. Allele origin: germline.

Labcorp Genetics (formerly Invitae), Labcorp
Classification: Uncertain significance. Last evaluated: 2021-12-06. Review status: criteria provided, single submitter. Criteria: Invitae Variant Classification Sherloc (09022015). Collection method: clinical testing. Allele origin: germline.
Comment: This sequence change replaces leucine, which is neutral and non-polar, with valine, which is neutral and non-polar, at codon 695 of the CTDP1 protein (p.Leu695Val). This variant is present in population databases (rs770079179, gnomAD 0.003%). This variant has not been reported in the literature in individuals affected with CTDP1-related conditions. Algorithms developed to predict the effect of missense changes on protein structure and function (SIFT, PolyPhen-2, Align-GVGD) all suggest that this variant is likely to be tolerated. In summary, the available evidence is currently insufficient to determine the role of this variant in disease. Therefore, it has been classified as a Variant of Uncertain Significance.